The following is an entry in ClinVar:

NM_001378477.3(NYX):c.516del (p.Leu173fs)

Gene: NYX (nyctalopin; plus strand). Cytogenetic location: Xp11.4.
Variant type: Deletion.
Coding change: c.516del on transcript NM_001378477.3 (MANE Select); coding-DNA position 516, one base deleted (G; older notation c.516delG).
Protein change: p.Leu173fs; shifts the reading frame from leucine 173.
Molecular consequence: frameshift variant.
Genome position (GRCh38, 1-based): chrX:41,473,984, G deleted. VCF-style (leftmost placement, unchanged base first): chrX-41473983-CG-C. GRCh37 (hg19) VCF-style: chrX-41333236-CG-C.
Other names: c.516del, p.Leu173fs (NM_022567.3); short protein forms L173fs.
Identifiers: ClinVar variation 2030892 (VCV002030892.4), dbSNP rs2519607540, ClinGen allele CA2580101734.

ClinVar aggregate classification (germline): Pathogenic (1 of 4 stars; one submission).

Submission:

Labcorp Genetics (formerly Invitae), Labcorp
Classification: Pathogenic. Last evaluated: 2024-12-16. Review status: criteria provided, single submitter. Criteria: Invitae Variant Classification Sherloc (09022015). Collection method: clinical testing. Allele origin: germline.
Comment: This sequence change creates a premature translational stop signal (p.Leu178Cysfs*7) in the NYX gene. While this is not anticipated to result in nonsense mediated decay, it is expected to disrupt the last 304 amino acid(s) of the NYX protein. This variant is not present in population databases (gnomAD no frequency). This variant has not been reported in the literature in individuals affected with NYX-related conditions. ClinVar contains an entry for this variant (Variation ID: 2030892). This variant disrupts a region of the NYX protein in which other variant(s) (p.Cys362*) have been determined to be pathogenic (PMID: 19578023; internal data). This suggests that this is a clinically significant region of the protein, and that variants that disrupt it are likely to be disease-causing. For these reasons, this variant has been classified as Pathogenic.

Literature cited by the submitters: PubMed 19578023.